The following is an entry in ClinVar:

ClinVar aggregate classification (germline): Uncertain significance (1 of 4 stars; one submission).

Allele frequency attached by ClinVar (database versions not stated): gnomAD exomes 0.00001.

Submission:

Labcorp Genetics (formerly Invitae), Labcorp
Classification: Uncertain significance. Last evaluated: 2023-03-09. Review status: criteria provided, single submitter. Criteria: Invitae Variant Classification Sherloc (09022015). Collection method: clinical testing. Allele origin: germline.
Comment: This variant has not been reported in the literature in individuals affected with HYOU1-related conditions. This sequence change replaces glutamic acid, which is acidic and polar, with glycine, which is neutral and non-polar, at codon 606 of the HYOU1 protein (p.Glu606Gly). This variant is not present in population databases (gnomAD no frequency). An algorithm developed to predict the effect of missense changes on protein structure and function (PolyPhen-2) suggests that this variant is likely to be tolerated. In summary, the available evidence is currently insufficient to determine the role of this variant in disease. Therefore, it has been classified as a Variant of Uncertain Significance.

NM_006389.5(HYOU1):c.1817A>G (p.Glu606Gly)

Gene: HYOU1 (hypoxia up-regulated 1; minus strand). Cytogenetic location: 11q23.3.
Variant type: single nucleotide variant.
Coding change: c.1817A>G on transcript NM_006389.5 (MANE Select); coding-DNA position 1817, A replaced by G.
Protein change: p.Glu606Gly; replaces glutamic acid 606 with glycine.
Molecular consequence: missense variant.
Genome position (GRCh38, 1-based): chr11:119,049,193, T>C on the plus strand (A>G on the coding strand, the complement: HYOU1 is on the minus strand). VCF-style: chr11-119049193-T-C. GRCh37 (hg19) VCF-style: chr11-118919905-T-C.
Other names: c.1817A>G, p.Glu606Gly (NM_001130991.3, NM_001411041.1); short protein forms E606G.
Identifiers: ClinVar variation 2808263 (VCV002808263.3), dbSNP rs1187319100, ClinGen allele CA382932048.